The following is an entry in ClinVar:

ClinVar aggregate classification (germline): Uncertain significance (1 of 4 stars; one submission).

Conditions:
Dyskeratosis congenita. Identifiers: Orphanet 1775, MedGen C0265965, MONDO:0015780.

Submission:

Ambry Genetics
Classification: Uncertain significance for Dyskeratosis congenita. Last evaluated: 2026-04-10. Review status: criteria provided, single submitter. Criteria: Ambry Variant Classification Scheme 2023. Collection method: clinical testing. Allele origin: germline.
Comment: The p.R30S variant (also known as c.88C>A), located in coding exon 1 of the TERT gene, results from a C to A substitution at nucleotide position 88. The arginine at codon 30 is replaced by serine, an amino acid with dissimilar properties. This amino acid position is conserved. In addition, the in silico prediction for this alteration is inconclusive. Based on the available evidence, the clinical significance of this variant remains unclear.

NM_198253.3(TERT):c.88C>A (p.Arg30Ser)

Genes: TERT (telomerase reverse transcriptase; minus strand), LOC110806263 (TERT 5' regulatory region; plus strand). Cytogenetic location: 5p15.33.
Variant type: single nucleotide variant.
Coding change: c.88C>A on transcript NM_198253.3 (MANE Select); coding-DNA position 88, C replaced by A.
Protein change: p.Arg30Ser; replaces arginine 30 with serine.
Molecular consequence: missense variant. On other transcripts: non-coding transcript variant (2).
Genome position (GRCh38, 1-based): chr5:1,294,902, G>T on the plus strand (C>A on the coding strand, the complement: TERT is on the minus strand). VCF-style: chr5-1294902-G-T. GRCh37 (hg19) VCF-style: chr5-1295017-G-T.
Other names: c.88C>A, p.Arg30Ser (NM_001193376.3); short protein forms R30S.
Identifiers: ClinVar variation 4865463 (VCV004865463.1).